The following is an entry in ClinVar:

NM_032250.5(ANKRD20A1):c.1635C>T (p.Asp545=)

Gene: ANKRD20A1 (ankyrin repeat domain 20 family member A1; plus strand). Cytogenetic location: 9q21.11.
Variant type: single nucleotide variant.
Coding change: c.1635C>T on transcript NM_032250.5 (MANE Select); coding-DNA position 1635, C replaced by T.
Protein change: p.Asp545=; no amino-acid change (aspartic acid 545 retained).
Molecular consequence: synonymous variant.
Genome position (GRCh38, 1-based): chr9:67,900,630, C>T. VCF-style: chr9-67900630-C-T. GRCh37 (hg19) VCF-style: chr9-67968076-C-T.
Identifiers: ClinVar variation 2659228 (VCV002659228.24), dbSNP rs551564604, ClinGen allele CA5069690.

ClinVar aggregate classification (germline): Likely benign (1 of 4 stars; one submission).

Allele frequency attached by ClinVar (database versions not stated): 1000 Genomes Project 30x 0.00016; 1000 Genomes Project 0.00020; ExAC 0.00105.

Submission:

CeGaT Center for Human Genetics Tuebingen
Classification: Likely benign. Last evaluated: 2022-12-01. Review status: criteria provided, single submitter. Criteria: CeGaT Center For Human Genetics Tuebingen Variant Classification Criteria Version 2. Collection method: clinical testing. Allele origin: germline. Affected: yes. Observed: 1 variant allele.
Comment: ANKRD20A1: BP4, BP7, BS2